The following is an entry in ClinVar:

ClinVar aggregate classification (germline): Likely pathogenic (1 of 4 stars; one submission).

Submission:

GeneDx
Classification: Likely pathogenic. Last evaluated: 2026-03-20. Review status: criteria provided, single submitter. Criteria: GeneDx Variant Classification Process June 2021. Collection method: clinical testing. Allele origin: germline.
Comment: Canonical splice site variant predicted to result in a null allele in a gene for which loss of function is a known mechanism of disease; Not observed at significant frequency in large population cohorts (gnomAD); Has not been previously published as pathogenic or benign to our knowledge

NM_000238.4(KCNH2):c.2145+2T>G

Gene: KCNH2 (potassium voltage-gated channel subfamily H member 2; minus strand). Cytogenetic location: 7q36.1.
Variant type: single nucleotide variant.
Coding change: c.2145+2T>G on transcript NM_000238.4 (MANE Select); the canonical splice donor site of the intron after coding-DNA position 2145, T replaced by G.
Molecular consequence: splice donor variant.
Genome position (GRCh38, 1-based): chr7:150,950,919, A>C on the plus strand (T>G on the coding strand, the complement: KCNH2 is on the minus strand). VCF-style: chr7-150950919-A-C. GRCh37 (hg19) VCF-style: chr7-150648007-A-C.
Other names: c.1857+2T>G (NM_001406753.1, NM_001406756.1); c.1125+2T>G (NM_172057.3, NM_001204798.2); c.2145+2T>G (NM_172056.3); c.1968+2T>G (NM_001406755.1); c.1845+2T>G (NM_001406757.1).
Identifiers: ClinVar variation 4975093 (VCV004975093.1).